The following is an entry in ClinVar:

NM_000170.3(GLDC):c.1801G>C (p.Asp601His)

Gene: GLDC (glycine decarboxylase; minus strand). Cytogenetic location: 9p24.1.
Variant type: single nucleotide variant.
Coding change: c.1801G>C on transcript NM_000170.3 (MANE Select); coding-DNA position 1801, G replaced by C.
Protein change: p.Asp601His; replaces aspartic acid 601 with histidine.
Molecular consequence: missense variant.
Genome position (GRCh38, 1-based): chr9:6,587,190, C>G on the plus strand (G>C on the coding strand, the complement: GLDC is on the minus strand). VCF-style: chr9-6587190-C-G. GRCh37 (hg19) VCF-style: chr9-6587190-C-G.
Other names: short protein forms D601H.
Identifiers: ClinVar variation 1904310 (VCV001904310.5), dbSNP rs2489076730, ClinGen allele CA372891422.

ClinVar aggregate classification (germline): Uncertain significance (1 of 4 stars; one submission).

Conditions:
Glycine encephalopathy. Also called: Non-ketotic hyperglycinemia; Nonketotic hyperglycinemia. Identifiers: Orphanet 407, MedGen C0751748, MONDO:0011612, HP:0008288.

Submission:

Labcorp Genetics (formerly Invitae), Labcorp
Classification: Uncertain significance for Glycine encephalopathy. Last evaluated: 2022-05-04. Review status: criteria provided, single submitter. Criteria: Invitae Variant Classification Sherloc (09022015). Collection method: clinical testing. Allele origin: germline.
Comment: This sequence change replaces aspartic acid, which is acidic and polar, with histidine, which is basic and polar, at codon 601 of the GLDC protein (p.Asp601His). This variant has not been reported in the literature in individuals affected with GLDC-related conditions. Algorithms developed to predict the effect of missense changes on protein structure and function are either unavailable or do not agree on the potential impact of this missense change (SIFT: "Tolerated"; PolyPhen-2: "Probably Damaging"; Align-GVGD: "Class C0"). In summary, the available evidence is currently insufficient to determine the role of this variant in disease. Therefore, it has been classified as a Variant of Uncertain Significance. This variant is not present in population databases (gnomAD no frequency).